The following is an entry in ClinVar:

NM_001999.4(FBN2):c.7808T>C (p.Phe2603Ser)

Gene: FBN2 (fibrillin 2; minus strand). Cytogenetic location: 5q23.3.
Variant type: single nucleotide variant.
Coding change: c.7808T>C on transcript NM_001999.4 (MANE Select); coding-DNA position 7808, T replaced by C.
Protein change: p.Phe2603Ser; replaces phenylalanine 2603 with serine.
Molecular consequence: missense variant.
Genome position (GRCh38, 1-based): chr5:128,273,872, A>G on the plus strand (T>C on the coding strand, the complement: FBN2 is on the minus strand). VCF-style: chr5-128273872-A-G. GRCh37 (hg19) VCF-style: chr5-127609564-A-G.
Other names: p.Phe2603Ser; short protein forms F2603S.
Identifiers: ClinVar variation 155797 (VCV000155797.59), dbSNP rs374507398, ClinGen allele CA345813.
Genomic context (GRCh38, chr5:128,273,872, plus strand): 5'-TTAAGAATTTTTGAGCAAATCAACTAACCTTCACAGTTCAGTCCGGTGGCATCAAGAGAG[A>G]ACCCTCTTTGGCATTCACAGCTGAAACTGCCTGGAGTGTTTTGACAGATTCCCTTTGCTC-3'
Protein context (NP_001990.2, residues 2593-2613): GSFSCECQRG[Phe2603Ser]SLDATGLNCE

ClinVar aggregate classification (germline): Conflicting classifications of pathogenicity. Review status: criteria provided, conflicting classifications (1 of 4 stars). 11 submissions from 11 submitters: Uncertain significance (9); Likely benign (2). Last evaluated 2026-01-06.

Conditions:
Congenital contractural arachnodactyly (CCA). Also called: BEALS SYNDROME; Beals-Hecht syndrome; Arthrogryposis, distal, type 9. Identifiers: Orphanet 115, MedGen C0220668, MONDO:0007363, OMIM 121050.
Macular degeneration, early-onset (EOMD). Identifiers: MedGen C4015286, MONDO:0014501, OMIM 616118.
Familial thoracic aortic aneurysm and aortic dissection (TAAD). Also called: Thoracic aortic aneurysms and dissections. Identifiers: Orphanet 91387, MedGen C4707243, MONDO:0019625.

Allele frequency attached by ClinVar (database versions not stated): gnomAD 0.00006; gnomAD exomes 0.00006 and 0.00009; TOPMed 0.00006; ExAC 0.00013; ESP Exome Variant Server 0.00015.
gnomAD v4.1: 97 of 1,613,820 alleles (0.006%); highest among the groups gnomAD compares: Non-Finnish European, 0.0077%; no homozygotes.

Submissions (11):

Labcorp Genetics (formerly Invitae), Labcorp
Classification: Likely benign for Congenital contractural arachnodactyly. Last evaluated: 2026-01-06. Review status: criteria provided, single submitter. Criteria: Invitae Variant Classification Sherloc (09022015). Collection method: clinical testing. Allele origin: germline.

Mayo Clinic Laboratories, Mayo Clinic
Classification: Uncertain significance. Last evaluated: 2025-05-26. Review status: criteria provided, single submitter. Criteria: ACMG Guidelines, 2015. Collection method: clinical testing. Allele origin: germline. Observed: 1 variant allele.
Comment: BS1, PP3_strong

Women's Health and Genetics/Laboratory Corporation of America, LabCorp
Classification: Uncertain significance. Last evaluated: 2025-05-16. Review status: criteria provided, single submitter. Criteria: LabCorp Variant Classification Summary - May 2015. Collection method: clinical testing. Allele origin: germline.
Comment: Variant summary: FBN2 c.7808T>C (p.Phe2603Ser) results in a non-conservative amino acid change in the encoded protein sequence. Algorithms developed to predict the effect of missense changes on protein structure and function all suggest that this variant is likely to be disruptive. The variant allele was found at a frequency of 9.2e-05 in 251062 control chromosomes (gnomAD). This frequency is not significantly higher than estimated for a pathogenic variant in FBN2 causing Nonsyndromic Heritable Thoracic Aortic Aneurysms And Dissections, allowing no conclusion about variant significance. c.7808T>C has been observed in individual(s) affected with FBN2-related conditions (Buchan_2014). These report(s) do not provide unequivocal conclusions about association of the variant with Nonsyndromic Heritable Thoracic Aortic Aneurysms And Dissections. To our knowledge, no experimental evidence demonstrating an impact on protein function has been reported. The following publication has been ascertained in the context of this evaluation (PMID: 24833718). ClinVar contains an entry for this variant (Variation ID: 155797). Based on the evidence outlined above, the variant was classified as uncertain significance.

Blueprint Genetics
Classification: Likely benign. Last evaluated: 2024-09-10. Review status: criteria provided, single submitter. Criteria: ACMG Guidelines, 2015. Collection method: clinical testing. Allele origin: germline.

Ambry Genetics
Classification: Uncertain significance for Familial thoracic aortic aneurysm and aortic dissection. Last evaluated: 2023-10-27. Review status: criteria provided, single submitter. Criteria: Ambry Variant Classification Scheme 2023. Collection method: clinical testing. Allele origin: germline.
Comment: The p.F2603S variant (also known as c.7808T>C), located in coding exon 61 of the FBN2 gene, results from a T to C substitution at nucleotide position 7808. The phenylalanine at codon 2603 is replaced by serine, an amino acid with highly dissimilar properties. This variant co-occurred with a variant in the FBN1 gene in an individual with adolescent scoliosis and other systemic features, but who did not meet Marfan syndrome diagnostic criteria (Buchan JG et al. Hum Mol Genet, 2014 Oct;23:5271-82). This amino acid position is highly conserved in available vertebrate species. In addition, this alteration is predicted to be deleterious by in silico analysis. Since supporting evidence is limited at this time, the clinical significance of this alteration remains unclear.

Clinical Genetics Laboratory, Skane University Hospital Lund
Classification: Uncertain significance. Last evaluated: 2023-01-27. Review status: criteria provided, single submitter. Criteria: ACMG Guidelines, 2015. Collection method: clinical testing. Allele origin: germline. Affected: yes.

Department of Pathology and Laboratory Medicine, Sinai Health System
Classification: Uncertain significance for Congenital contractural arachnodactyly. Last evaluated: 2022-11-30. Review status: criteria provided, single submitter. Criteria: ACMG Guidelines, 2015. Collection method: research. Allele origin: germline.

GeneDx
Classification: Uncertain significance. Last evaluated: 2022-07-08. Review status: criteria provided, single submitter. Criteria: GeneDx Variant Classification Process June 2021. Collection method: clinical testing. Allele origin: germline. Affected: yes.
Comment: Reported in one adolescent with severe idiopathic scoliosis, who also harbored a variant in the FBN1 gene (Buchan et al., 2014); Although located in a calcium-binding EGF-like domain of the FBN2 gene, it does not substitute or introduce a cysteine residue (Callewaert et al., 2009; Frederic et al., 2009); In silico analysis supports that this missense variant has a deleterious effect on protein structure/function; This variant is associated with the following publications: (PMID: 34426522, 24833718)

CeGaT Center for Human Genetics Tuebingen
Classification: Uncertain significance. Last evaluated: 2020-08-01. Review status: criteria provided, single submitter. Criteria: CeGaT Center For Human Genetics Tuebingen Variant Classification Criteria Version 2. Collection method: clinical testing. Allele origin: germline. Affected: yes. Observed: 1 variant allele.

Illumina Laboratory Services, Illumina
Classification: Uncertain significance for Congenital contractural arachnodactyly. Last evaluated: 2017-04-27. Review status: criteria provided, single submitter. Criteria: ICSL Variant Classification Criteria 13 December 2019. Collection method: clinical testing. Allele origin: germline.
Comment: This variant was observed as part of a predisposition screen in an ostensibly healthy population. A literature search was performed for the gene, cDNA change, and amino acid change (where applicable). Publications were found based on this search. However, the evidence from the literature, in combination with allele frequency data from public databases where available, was not sufficient to rule this variant in or out of causing disease. Therefore, this variant is classified as a variant of unknown significance.

Center for Genomics, Ann and Robert H. Lurie Children's Hospital of Chicago
Classification: Uncertain significance for Macular degeneration, early-onset; Congenital contractural arachnodactyly. Review status: criteria provided, single submitter. Criteria: ACMG Guidelines, 2015. Collection method: clinical testing. Allele origin: germline.
Comment: FBN2 NM_001999.3 exon 61 p.Phe2603Ser (c.7808T>C): This variant has been reported in the literature in one individual with adolescent scoliosis (Buchan 2014 PMID:24833718). This variant is also present in 0.01% (8/68028) of European alleles in the Genome Aggregation Database and is present in ClinVar (Variation ID:155797). Evolutionary conservation and computational predictive tools suggest that this variant may impact the protein. In summary, data on this variant is insufficient for disease classification. Therefore, the clinical significance of this variant is uncertain.

Literature cited by the submitters: PubMed 24833718 (cited by 4 submitters).